The following is an entry in ClinVar:

NM_001429.4(EP300):c.4213C>T (p.Arg1405Cys)

Gene: EP300 (EP300 lysine acetyltransferase; plus strand). Cytogenetic location: 22q13.2.
Variant type: single nucleotide variant.
Coding change: c.4213C>T on transcript NM_001429.4 (MANE Select); coding-DNA position 4213, C replaced by T.
Protein change: p.Arg1405Cys; replaces arginine 1405 with cysteine.
Molecular consequence: missense variant.
Genome position (GRCh38, 1-based): chr22:41,169,543, C>T. VCF-style: chr22-41169543-C-T. GRCh37 (hg19) VCF-style: chr22-41565547-C-T.
Other names: c.4135C>T, p.Arg1379Cys (NM_001362843.2); short protein forms R1379C, R1405C.
Identifiers: ClinVar variation 4986517 (VCV004986517.1).

ClinVar aggregate classification (germline): Uncertain significance (1 of 4 stars; one submission).

Conditions:
EP300-related disorder. Also called: EP300-related condition; EP300-related disorders.

gnomAD v4.1: 5 of 1,609,650 alleles (0.00031%); highest among the groups gnomAD compares: Non-Finnish European, 0.00042%; no homozygotes.

Submission:

PreventionGenetics, part of Exact Sciences
Classification: Uncertain significance for EP300-related condition. Last evaluated: 2026-07-06. Review status: criteria provided, single submitter. Criteria: ACMG Guidelines, 2015. Collection method: clinical testing. Allele origin: germline.
Comment: The EP300 c.4213C>T variant is predicted to result in the amino acid substitution p.Arg1405Cys. To our knowledge, this variant has not been reported in the literature. This variant is reported in 0.0023% of alleles in individuals of European (Non-Finnish) descent in gnomAD. At this time, the clinical significance of this variant is uncertain due to the absence of conclusive functional and genetic evidence.